The following is an entry in ClinVar:

NM_020435.4(GJC2):c.960C>T (p.Phe320=)

Gene: GJC2 (gap junction protein gamma 2; plus strand). Cytogenetic location: 1q42.13.
Variant type: single nucleotide variant.
Coding change: c.960C>T on transcript NM_020435.4 (MANE Select); coding-DNA position 960, C replaced by T.
Protein change: p.Phe320=; no amino-acid change (phenylalanine 320 retained).
Molecular consequence: synonymous variant.
Genome position (GRCh38, 1-based): chr1:228,158,718, C>T. VCF-style: chr1-228158718-C-T. GRCh37 (hg19) VCF-style: chr1-228346419-C-T.
Identifiers: ClinVar variation 2065743 (VCV002065743.29), dbSNP rs1232871344, ClinGen allele CA423739270.
Genomic context (GRCh38, chr1:228,158,718, plus strand): 5'-CCGCCGCGGCCCCCCGGCCTCCGCCCCCGCCCCCGCGCCGCGGCCCCCGCCCTGCGCCTT[C>T]CCTGCGGCGGCCGCTGGCTTGGCCTGCCCGCCCGACTACAGCCTGGTGGTGCGGGCGGCC-3'
Protein context (NP_065168.2, residues 310-330): APAPRPPPCA[Phe320=]PAAAAGLACP

ClinVar aggregate classification (germline): Likely benign. Review status: criteria provided, multiple submitters, no conflicts (2 of 4 stars). 3 submissions from 3 submitters: Likely benign (3). Last evaluated 2025-02-03.

Conditions:
Spastic paraplegia. Identifiers: MedGen C0037772, HP:0001258.

Allele frequency attached by ClinVar (database versions not stated): gnomAD 0.00003.

Submissions (3):

Labcorp Genetics (formerly Invitae), Labcorp
Classification: Likely benign for Spastic paraplegia. Last evaluated: 2025-02-03. Review status: criteria provided, single submitter. Criteria: Invitae Variant Classification Sherloc (09022015). Collection method: clinical testing. Allele origin: germline.

CeGaT Center for Human Genetics Tuebingen
Classification: Likely benign. Last evaluated: 2022-04-01. Review status: criteria provided, single submitter. Criteria: CeGaT Center For Human Genetics Tuebingen Variant Classification Criteria Version 2. Collection method: clinical testing. Allele origin: germline. Affected: yes. Observed: 1 variant allele.
Comment: GJC2: BP4, BP7

Blueprint Genetics
Classification: Likely benign. Last evaluated: 2021-02-22. Review status: criteria provided, single submitter. Criteria: ACMG Guidelines, 2015. Collection method: clinical testing. Allele origin: germline.